The following is an entry in ClinVar:

NM_001379270.1(CNGA1):c.2049C>T (p.Ile683=)

Genes: CNGA1 (cyclic nucleotide gated channel subunit alpha 1; minus strand), LOC101927157 (uncharacterized LOC101927157; plus strand). Cytogenetic location: 4p12.
Variant type: single nucleotide variant.
Coding change: c.2049C>T on transcript NM_001379270.1 (MANE Select); coding-DNA position 2049, C replaced by T.
Protein change: p.Ile683=; no amino-acid change (isoleucine 683 retained).
Molecular consequence: synonymous variant.
Genome position (GRCh38, 1-based): chr4:47,936,433, G>A on the plus strand (C>T on the coding strand, the complement: CNGA1 is on the minus strand). VCF-style: chr4-47936433-G-A. GRCh37 (hg19) VCF-style: chr4-47938450-G-A.
Other names: c.2049C>T, p.Ile683= (NM_000087.5, NM_001142564.2).
Identifiers: ClinVar variation 796646 (VCV000796646.10), dbSNP rs369407883, ClinGen allele CA2910966.
Genomic context (GRCh38, chr4:47,936,433, plus strand): 5'-TCAAAAGGATCATGAGGCATGTCCCTGTTAATGACCAGCTTTTCGGTTCTATGTAGAGTC[G>A]ATGGGCCCACTTTCCGCTCCAGGTCCCTCAATACTTGAAAATTCTGTGTCAATAAGCGGT-3'
Protein context (NP_001366199.1, residues 673-686): IEGPGAESGP[Ile683=]DST

ClinVar aggregate classification (germline): Likely benign. Review status: criteria provided, multiple submitters, no conflicts (2 of 4 stars). 3 submissions from 3 submitters: Likely benign (3). Last evaluated 2025-04-29.

Conditions:
CNGA1-related disorder. Also called: CNGA1-related condition.

gnomAD v4.1: 8 of 1,613,970 alleles (0.0005%); highest among the groups gnomAD compares: Admixed American, 0.01%; no homozygotes.

Submissions (3):

Labcorp Genetics (formerly Invitae), Labcorp
Classification: Likely benign. Last evaluated: 2025-04-29. Review status: criteria provided, single submitter. Criteria: Invitae Variant Classification Sherloc (09022015). Collection method: clinical testing. Allele origin: germline.

PreventionGenetics, part of Exact Sciences
Classification: Likely benign for CNGA1-related condition. Last evaluated: 2024-11-09. Review status: criteria provided, single submitter. Criteria: ACMG Guidelines, 2015. Collection method: clinical testing. Allele origin: germline.
Comment: This variant is classified as likely benign based on ACMG/AMP sequence variant interpretation guidelines (Richards et al. 2015 PMID: 25741868, with internal and published modifications).

Blueprint Genetics
Classification: Likely benign. Last evaluated: 2022-07-07. Review status: criteria provided, single submitter. Criteria: ACMG Guidelines, 2015. Collection method: clinical testing. Allele origin: germline.